The following is an entry in ClinVar:

NM_004360.5(CDH1):c.2379T>C (p.Ser793=)

Gene: CDH1 (cadherin 1; plus strand). Cytogenetic location: 16q22.1.
Variant type: single nucleotide variant.
Coding change: c.2379T>C on transcript NM_004360.5 (MANE Select); coding-DNA position 2379, T replaced by C.
Protein change: p.Ser793=; no amino-acid change (serine 793 retained).
Molecular consequence: synonymous variant.
Genome position (GRCh38, 1-based): chr16:68,829,737, T>C. VCF-style: chr16-68829737-T-C. GRCh37 (hg19) VCF-style: chr16-68863640-T-C.
Other names: c.2196T>C, p.Ser732= (NM_001317184.2); c.831T>C, p.Ser277= (NM_001317185.2); c.414T>C, p.Ser138= (NM_001317186.2).
Identifiers: ClinVar variation 3378618 (VCV003378618.2).
Genomic context (GRCh38, chr16:68,829,737, plus strand): 5'-CAGGGGCCTGGACGCTCGGCCTGAAGTGACTCGTAACGACGTTGCACCAACCCTCATGAG[T>C]GTCCCCCGGTATCTTCCCCGCCCTGCCAATCCCGATGAAATTGGAAATTTTATTGATGAA-3'
Protein context (NP_004351.1, residues 783-803): TRNDVAPTLM[Ser793=]VPRYLPRPAN

ClinVar aggregate classification (germline): Benign/Likely benign. Review status: criteria provided, multiple submitters, no conflicts (2 of 4 stars). 2 submissions from 2 submitters: Benign (1); Likely benign (1). Last evaluated 2026-08-24.

Conditions:
Hereditary diffuse gastric adenocarcinoma (HDGC). Also called: DIFFUSE GASTRIC AND LOBULAR BREAST CANCER SYNDROME. Identifiers: Orphanet 26106, MedGen C1708349, MONDO:0007648, OMIM 137215.
Hereditary cancer-predisposing syndrome. Also called: Tumor predisposition; Hereditary Cancer Syndrome; Hereditary neoplastic syndrome; Neoplastic Syndromes, Hereditary. Identifiers: Orphanet 140162, MedGen C0027672, MeSH D009386, MONDO:0015356.

Submissions (2):

Ambry Genetics
Classification: Likely benign for Hereditary cancer-predisposing syndrome. Last evaluated: 2026-08-24. Review status: criteria provided, single submitter. Criteria: Ambry Variant Classification Scheme 2023. Collection method: clinical testing. Allele origin: germline.

Myriad Genetics, Inc.
Classification: Benign for Hereditary diffuse gastric adenocarcinoma. Last evaluated: 2024-09-23. Review status: criteria provided, single submitter. Criteria: Myriad Autosomal Dominant, Autosomal Recessive and X-Linked Classification Criteria (2023). Collection method: clinical testing. Allele origin: unknown.
Comment: This variant is considered benign. This variant is a silent/synonymous amino acid change and it is not expected to impact splicing.